The following is an entry in ClinVar:

NM_001034853.2(RPGR):c.28+1G>T

Genes: RPGR (retinitis pigmentosa GTPase regulator; minus strand), LOC130068098 (ATAC-STARR-seq lymphoblastoid silent region 20735; plus strand). Cytogenetic location: Xp11.4.
Variant type: single nucleotide variant.
Coding change: c.28+1G>T on transcript NM_001034853.2 (MANE Select); the canonical splice donor site of the intron after coding-DNA position 28, G replaced by T.
Molecular consequence: splice donor variant.
Genome position (GRCh38, 1-based): chrX:38,327,339, C>A on the plus strand (G>T on the coding strand, the complement: RPGR is on the minus strand). VCF-style: chrX-38327339-C-A. GRCh37 (hg19) VCF-style: chrX-38186592-C-A.
Other names: c.28+1G>T (NM_001367249.1, NM_001367250.1, NM_001367245.1 and 4 more transcripts).
Identifiers: ClinVar variation 3249888 (VCV003249888.4).

ClinVar aggregate classification (germline): Pathogenic. Review status: criteria provided, single submitter (1 of 4 stars). 2 submissions from 2 submitters: Pathogenic (1). 1 of the submissions does not count toward it. Last evaluated 2024-09-11.

Conditions:
Retinal dystrophy. Also called: Inherited retinal dystrophy. Identifiers: Orphanet 71862, MedGen C0854723, MeSH D058499, MONDO:0019118, HP:0000556.
Primary ciliary dyskinesia. Also called: Ciliary dyskinesia. Identifiers: Orphanet 244, MedGen C0008780, MONDO:0016575, HP:0012265.

Submissions (3):

Labcorp Genetics (formerly Invitae), Labcorp
Classification: Pathogenic for Primary ciliary dyskinesia. Last evaluated: 2024-09-11. Review status: criteria provided, single submitter. Criteria: Invitae Variant Classification Sherloc (09022015). Collection method: clinical testing. Allele origin: germline.
Comment: This sequence change affects a donor splice site in intron 1 of the RPGR gene. It is expected to disrupt RNA splicing. Variants that disrupt the donor or acceptor splice site typically lead to a loss of protein function (PMID: 16199547), and loss-of-function variants in RPGR are known to be pathogenic (PMID: 16055928, 16969763). This variant is not present in population databases (gnomAD no frequency). Disruption of this splice site has been observed in individuals with retinitis pigmentosa (PMID: 10480356, 30718709; internal data). Algorithms developed to predict the effect of sequence changes on RNA splicing suggest that this variant may disrupt the consensus splice site. For these reasons, this variant has been classified as Pathogenic.

Institute of Human Genetics, Univ. Regensburg, Univ. Regensburg
Classification: Pathogenic for Retinal dystrophy. Last evaluated: 2018-01-01. Review status: no assertion criteria provided. Criteria: ACMG Guidelines, 2015. Collection method: clinical testing. Allele origin: germline. Affected: yes. Not counted in ClinVar's aggregate classification.

Dr. Peter K. Rogan Lab, Western University
No classification provided (evidence only). Condition: Uterine corpus endometrial carcinoma. Review status: no classification provided. Collection method: in vitro. Allele origin: not applicable. Functional consequence: retained intron. Not counted in ClinVar's aggregate classification.

Literature cited by the submitters: PubMed 16199547 (cited by Labcorp Genetics (formerly Invitae), Labcorp); PubMed 16055928 (cited by Labcorp Genetics (formerly Invitae), Labcorp); PubMed 16969763 (cited by Labcorp Genetics (formerly Invitae), Labcorp); PubMed 10480356 (cited by Labcorp Genetics (formerly Invitae), Labcorp); PubMed 30718709 (cited by Labcorp Genetics (formerly Invitae), Labcorp).